The following is an entry in ClinVar:

ClinVar aggregate classification (germline): Benign/Likely benign. Review status: criteria provided, multiple submitters, no conflicts (2 of 4 stars). 7 submissions from 7 submitters: Benign (1); Likely benign (4). 2 of the submissions do not count toward it. Last evaluated 2026-01-12.

Conditions:
MAN1B1-related disorder. Also called: MAN1B1-related disorders; MAN1B1-related condition.
Inborn genetic diseases. Identifiers: MedGen C0950123, MeSH D030342.
Rafiq syndrome (RAFQS). Identifiers: Orphanet 88616, MedGen C3280127, MONDO:0013624, OMIM 614202.

Allele frequency attached by ClinVar (database versions not stated): 1000 Genomes Project 0.00140; ESP Exome Variant Server 0.00146; TOPMed 0.00151; gnomAD 0.00172; 1000 Genomes Project 30x 0.00187.

Submissions (7):

Labcorp Genetics (formerly Invitae), Labcorp
Classification: Likely benign for Rafiq syndrome. Last evaluated: 2026-01-12. Review status: criteria provided, single submitter. Criteria: Invitae Variant Classification Sherloc (09022015). Collection method: clinical testing. Allele origin: germline.

Department of Pathology and Laboratory Medicine, Sinai Health System
Classification: Likely benign for Rafiq syndrome. Last evaluated: 2023-04-03. Review status: criteria provided, single submitter. Criteria: ACMG Guidelines, 2015. Collection method: research. Allele origin: germline.

Genetic Services Laboratory, University of Chicago
Classification: Likely benign. Last evaluated: 2019-06-03. Review status: criteria provided, single submitter. Criteria: ACMG Guidelines, 2015. Collection method: clinical testing. Allele origin: germline. Affected: no.

Illumina Laboratory Services, Illumina
Classification: Likely benign for Rafiq syndrome. Last evaluated: 2018-01-13. Review status: criteria provided, single submitter. Criteria: ICSL Variant Classification Criteria 13 December 2019. Collection method: clinical testing. Allele origin: germline.
Comment: This variant was observed in the ICSL laboratory as part of a predisposition screen in an ostensibly healthy population. It had not been previously curated by ICSL or reported in the Human Gene Mutation Database (HGMD: prior to June 1st, 2018), and was therefore a candidate for classification through an automated scoring system. Utilizing variant allele frequency, disease prevalence and penetrance estimates, and inheritance mode, an automated score was calculated to assess if this variant is too frequent to cause the disease. Based on the score and internal cut-off values, a variant classified as likely benign is not then subjected to further curation. The score for this variant resulted in a classification of likely benign for this disease.

Ambry Genetics
Classification: Benign for Inborn genetic diseases. Last evaluated: 2016-09-28. Review status: criteria provided, single submitter. Criteria: Ambry Variant Classification Scheme 2023. Collection method: clinical testing. Allele origin: germline.

PreventionGenetics, part of Exact Sciences
Classification: Likely benign for MAN1B1-related condition. Last evaluated: 2020-12-21. Review status: no assertion criteria provided. Collection method: clinical testing. Allele origin: germline. Not counted in ClinVar's aggregate classification.
Comment: This variant is classified as likely benign based on ACMG/AMP sequence variant interpretation guidelines (Richards et al. 2015 PMID: 25741868, with internal and published modifications).

Biochemical Molecular Genetic Laboratory, King Abdulaziz Medical City
Classification: Likely pathogenic for Rafiq syndrome. Last evaluated: 2019-09-26. Review status: flagged submission. Collection method: clinical testing. Allele origin: germline. Affected: yes. Not counted in ClinVar's aggregate classification.
ClinVar note: Reason: Outlier claim with insufficient supporting evidence

NM_016219.5(MAN1B1):c.403G>A (p.Val135Ile)

Gene: MAN1B1 (mannosidase alpha class 1B member 1; plus strand). Cytogenetic location: 9q34.3.
Variant type: single nucleotide variant.
Coding change: c.403G>A on transcript NM_016219.5 (MANE Select); coding-DNA position 403, G replaced by A.
Protein change: p.Val135Ile; replaces valine 135 with isoleucine.
Molecular consequence: missense variant. On other transcripts: non-coding transcript variant (2).
Genome position (GRCh38, 1-based): chr9:137,088,943, G>A. VCF-style: chr9-137088943-G-A. GRCh37 (hg19) VCF-style: chr9-139983395-G-A.
Other names: short protein forms V135I.
Identifiers: ClinVar variation 129579 (VCV000129579.30), dbSNP rs75442795, ClinGen allele CA231280.